The following is an entry in ClinVar:

NM_004489.5(GPS2):c.625C>T (p.Gln209Ter)

Gene: GPS2 (G protein pathway suppressor 2; minus strand). Cytogenetic location: 17p13.1.
Variant type: single nucleotide variant.
Coding change: c.625C>T on transcript NM_004489.5 (MANE Select); coding-DNA position 625, C replaced by T.
Protein change: p.Gln209Ter; replaces glutamine 209 with a stop codon.
Molecular consequence: nonsense.
Genome position (GRCh38, 1-based): chr17:7,313,577, G>A on the plus strand (C>T on the coding strand, the complement: GPS2 is on the minus strand). VCF-style: chr17-7313577-G-A. GRCh37 (hg19) VCF-style: chr17-7216896-G-A.
Other names: short protein forms Q209*.
Identifiers: ClinVar variation 4530525 (VCV004530525.1).

ClinVar aggregate classification (somatic clinical impact): Tier II - Potential (1 of 4 stars; one submission).

Conditions:
Medulloblastoma non-WNT/non-SHH. Identifiers: MedGen C4330667, MONDO:0850198.

Submission:

Institute for Genomic Medicine (IGM) Clinical Laboratory, Nationwide Children's Hospital
Classification: Tier II - Potential for Medulloblastoma non-WNT/non-SHH. Assertion type: diagnostic. Clinical significance: supports diagnosis. Last evaluated: 2024-01-16. Review status: criteria provided, single submitter. Criteria: AMP/ASCO/CAP Guidelines, 2017. Collection method: clinical testing. Allele origin: somatic. Affected: yes.
Comment: Variant has Tier II (potential) clinical significance as a diagnostic inclusion criterion in medulloblastoma non-WNT/non-SHH, based on the following evidence: 1) Documented in one or more cancer databases (e.g., St. Jude Pecan, COSMIC, CIViC, OncoKB). 2) Assists in diagnosis alone or along with other biomarkers based on small studies or few case reports (Evidence Level D).